The following is an entry in ClinVar:

NM_000400.4(ERCC2):c.1490G>A (p.Arg497His)

Gene: ERCC2 (ERCC excision repair 2, TFIIH core complex helicase subunit; minus strand). Cytogenetic location: 19q13.32.
Variant type: single nucleotide variant.
Coding change: c.1490G>A on transcript NM_000400.4 (MANE Select); coding-DNA position 1490, G replaced by A.
Protein change: p.Arg497His; replaces arginine 497 with histidine.
Molecular consequence: missense variant.
Genome position (GRCh38, 1-based): chr19:45,355,718, C>T on the plus strand (G>A on the coding strand, the complement: ERCC2 is on the minus strand). VCF-style: chr19-45355718-C-T. GRCh37 (hg19) VCF-style: chr19-45858976-C-T.
Other names: c.1490G>A (NM_000400.3); short protein forms R497H.
Identifiers: ClinVar variation 1450836 (VCV001450836.5), dbSNP rs757432268, ClinGen allele CA9513247.

ClinVar aggregate classification (germline): Uncertain significance. Review status: criteria provided, multiple submitters, no conflicts (2 of 4 stars). 2 submissions from 2 submitters: Uncertain significance (2). Last evaluated 2024-10-28.

Conditions:
Inborn genetic diseases. Identifiers: MedGen C0950123, MeSH D030342.

Allele frequency attached by ClinVar (database versions not stated): ExAC 0.00002; gnomAD 0.00002; gnomAD exomes 0.00002; TOPMed 0.00002.
gnomAD v4.1: 25 of 1,613,912 alleles (0.0015%); highest among the groups gnomAD compares: East Asian, 0.011%; no homozygotes.

Submissions (2):

Labcorp Genetics (formerly Invitae), Labcorp
Classification: Uncertain significance. Last evaluated: 2024-10-28. Review status: criteria provided, single submitter. Criteria: Invitae Variant Classification Sherloc (09022015). Collection method: clinical testing. Allele origin: germline.
Comment: This sequence change replaces arginine, which is basic and polar, with histidine, which is basic and polar, at codon 497 of the ERCC2 protein (p.Arg497His). This variant is present in population databases (rs757432268, gnomAD 0.005%). This variant has not been reported in the literature in individuals affected with ERCC2-related conditions. ClinVar contains an entry for this variant (Variation ID: 1450836). Invitae Evidence Modeling of protein sequence and biophysical properties (such as structural, functional, and spatial information, amino acid conservation, physicochemical variation, residue mobility, and thermodynamic stability) indicates that this missense variant is not expected to disrupt ERCC2 protein function with a negative predictive value of 80%. In summary, the available evidence is currently insufficient to determine the role of this variant in disease. Therefore, it has been classified as a Variant of Uncertain Significance.

Ambry Genetics
Classification: Uncertain significance for Inborn genetic diseases. Last evaluated: 2024-03-18. Review status: criteria provided, single submitter. Criteria: Ambry Variant Classification Scheme 2023. Collection method: clinical testing. Allele origin: germline.